The following is an entry in ClinVar:

NM_000204.5(CFI):c.280C>T (p.Leu94Phe)

Gene: CFI (complement factor I; minus strand). Cytogenetic location: 4q25.
Variant type: single nucleotide variant.
Coding change: c.280C>T on transcript NM_000204.5 (MANE Select); coding-DNA position 280, C replaced by T.
Protein change: p.Leu94Phe; replaces leucine 94 with phenylalanine.
Molecular consequence: missense variant. On other transcripts: non-coding transcript variant (3), intron variant (1).
Genome position (GRCh38, 1-based): chr4:109,766,602, G>A on the plus strand (C>T on the coding strand, the complement: CFI is on the minus strand). VCF-style: chr4-109766602-G-A. GRCh37 (hg19) VCF-style: chr4-110687758-G-A.
Other names: c.280C>T, p.Leu94Phe (NM_001318057.2, NM_001331035.2, NM_001375278.1 and 5 more transcripts); c.-127-4910C>T (NM_001375284.1); short protein forms L94F.
Identifiers: ClinVar variation 1363307 (VCV001363307.7), dbSNP rs1027910523, ClinGen allele CA103698249.

ClinVar aggregate classification (germline): Uncertain significance. Review status: criteria provided, multiple submitters, no conflicts (2 of 4 stars). 2 submissions from 2 submitters: Uncertain significance (2). Last evaluated 2023-08-17.

Conditions:
Factor I deficiency (CFID). Also called: Complement factor I deficiency. Identifiers: Orphanet 200418, MedGen C3463916, MONDO:0012594, OMIM 610984.
Atypical hemolytic-uremic syndrome with I factor anomaly. Also called: HEMOLYTIC UREMIC SYNDROME, ATYPICAL, SUSCEPTIBILITY TO, 3; AHUS, SUSCEPTIBILITY TO, 3. Identifiers: Orphanet 2134, MedGen C2752039, MONDO:0013041, OMIM 612923.
Age related macular degeneration 13. Identifiers: MedGen C3809523, MONDO:0014189, OMIM 615439.

Allele frequency attached by ClinVar (database versions not stated): gnomAD exomes below 0.00001.
gnomAD v4.1: 1 of 1,614,194 alleles (0.000062%); highest among the groups gnomAD compares: Non-Finnish European, 0.000085%; no homozygotes.

Submissions (2):

Labcorp Genetics (formerly Invitae), Labcorp
Classification: Uncertain significance. Last evaluated: 2023-08-17. Review status: criteria provided, single submitter. Criteria: Invitae Variant Classification Sherloc (09022015). Collection method: clinical testing. Allele origin: germline.
Comment: This sequence change replaces leucine with phenylalanine at codon 94 of the CFI protein (p.Leu94Phe). The leucine residue is weakly conserved and there is a small physicochemical difference between leucine and phenylalanine. This variant is not present in population databases (gnomAD no frequency). This variant has not been reported in the literature in individuals affected with CFI-related conditions. ClinVar contains an entry for this variant (Variation ID: 1363307). Advanced modeling of protein sequence and biophysical properties (such as structural, functional, and spatial information, amino acid conservation, physicochemical variation, residue mobility, and thermodynamic stability) has been performed at Invitae for this missense variant, however the output from this modeling did not meet the statistical confidence thresholds required to predict the impact of this variant on CFI protein function. In summary, the available evidence is currently insufficient to determine the role of this variant in disease. Therefore, it has been classified as a Variant of Uncertain Significance.

Fulgent Genetics
Classification: Uncertain significance for Factor I deficiency; Atypical hemolytic-uremic syndrome with I factor anomaly; Age related macular degeneration 13. Last evaluated: 2022-03-29. Review status: criteria provided, single submitter. Criteria: ACMG Guidelines, 2015. Collection method: clinical testing. Allele origin: unknown.